The following is an entry in ClinVar:

NM_017909.4(RMND1):c.434_436del (p.Lys145del)

Gene: RMND1 (required for meiotic nuclear division 1 homolog; minus strand). Cytogenetic location: 6q25.1.
Variant type: Deletion.
Coding change: c.434_436del on transcript NM_017909.4 (MANE Select); coding-DNA positions 434 to 436, 3 bases deleted (AGA; older notation c.434_436delAGA).
Protein change: p.Lys145del; deletes lysine 145.
Molecular consequence: inframe deletion. On other transcripts: intron variant (1).
Genome position (GRCh38, 1-based): chr6:151,445,376-151,445,378, TCT deleted on the plus strand (AGA on the coding strand, the reverse complement: RMND1 is on the minus strand); deleting any 3 consecutive bases within chr6:151,445,376-151,445,380 gives the same sequence; the c. name uses the placement nearest the transcript's 3' end. VCF-style (leftmost placement, unchanged base first): chr6-151445375-CTCT-C. GRCh37 (hg19) VCF-style: chr6-151766510-CTCT-C.
Other names: c.-7+6638_-7+6640del (NM_001271937.2); short protein forms K145del.
Identifiers: ClinVar variation 2135996 (VCV002135996.1), dbSNP rs774919323, ClinGen allele CA4051042.

ClinVar aggregate classification (germline): Uncertain significance (1 of 4 stars; one submission).

Submission:

GeneDx
Classification: Uncertain significance. Last evaluated: 2022-07-20. Review status: criteria provided, single submitter. Criteria: GeneDx Variant Classification Process June 2021. Collection method: clinical testing. Allele origin: germline. Affected: yes.
Comment: Not observed at significant frequency in large population cohorts (gnomAD); In silico analysis supports a deleterious effect on protein structure/function; Has not been previously published as pathogenic or benign to our knowledge; In-frame deletion of 1 amino acids in a non-repeat region